The following is an entry in ClinVar:

ClinVar aggregate classification (germline): Uncertain significance (1 of 4 stars; one submission).

Conditions:
Fanconi anemia complementation group E (FANCE). Also called: FANCE-Related Fanconi Anemia. Identifiers: Orphanet 84, MedGen C3160739, MONDO:0010953, OMIM 600901.

Submission:

Labcorp Genetics (formerly Invitae), Labcorp
Classification: Uncertain significance for Fanconi anemia complementation group E. Last evaluated: 2024-12-15. Review status: criteria provided, single submitter. Criteria: Invitae Variant Classification Sherloc (09022015). Collection method: clinical testing. Allele origin: germline.
Comment: This sequence change replaces valine, which is neutral and non-polar, with leucine, which is neutral and non-polar, at codon 424 of the FANCE protein (p.Val424Leu). This variant is not present in population databases (gnomAD no frequency). This variant has not been reported in the literature in individuals affected with FANCE-related conditions. ClinVar contains an entry for this variant (Variation ID: 1395123). Invitae Evidence Modeling of protein sequence and biophysical properties (such as structural, functional, and spatial information, amino acid conservation, physicochemical variation, residue mobility, and thermodynamic stability) indicates that this missense variant is not expected to disrupt FANCE protein function with a negative predictive value of 80%. In summary, the available evidence is currently insufficient to determine the role of this variant in disease. Therefore, it has been classified as a Variant of Uncertain Significance.

NM_021922.3(FANCE):c.1270G>T (p.Val424Leu)

Gene: FANCE (FA complementation group E; plus strand). Cytogenetic location: 6p21.31.
Variant type: single nucleotide variant.
Coding change: c.1270G>T on transcript NM_021922.3 (MANE Select); coding-DNA position 1270, G replaced by T.
Protein change: p.Val424Leu; replaces valine 424 with leucine.
Molecular consequence: missense variant.
Genome position (GRCh38, 1-based): chr6:35,459,714, G>T. VCF-style: chr6-35459714-G-T. GRCh37 (hg19) VCF-style: chr6-35427491-G-T.
Other names: short protein forms V424L.
Identifiers: ClinVar variation 1395123 (VCV001395123.5), dbSNP rs2150897194, ClinGen allele CA363777121.